The following is an entry in ClinVar:

NM_001134363.3(RBM20):c.3091G>T (p.Gly1031Ter)

Gene: RBM20 (RNA binding motif protein 20; plus strand). Cytogenetic location: 10q25.2.
Variant type: single nucleotide variant.
Coding change: c.3091G>T on transcript NM_001134363.3 (MANE Select); coding-DNA position 3091, G replaced by T.
Protein change: p.Gly1031Ter; replaces glycine 1031 with a stop codon.
Molecular consequence: nonsense.
Genome position (GRCh38, 1-based): chr10:110,821,710, G>T. VCF-style: chr10-110821710-G-T. GRCh37 (hg19) VCF-style: chr10-112581468-G-T.
Other names: c.3091G>T (LRG_382t1); short protein forms G1031*.
Identifiers: ClinVar variation 202074 (VCV000202074.15), dbSNP rs794729157, ClinGen allele CA335573.

ClinVar aggregate classification (germline): Conflicting classifications of pathogenicity. Review status: criteria provided, conflicting classifications (1 of 4 stars). 2 submissions from 2 submitters: Pathogenic (1); Uncertain significance (1). Last evaluated 2025-12-08.

Conditions:
Cardiovascular phenotype. Identifiers: MedGen CN230736.
Dilated cardiomyopathy 1DD (CMD1DD). Identifiers: Orphanet 154, MedGen C2750995, MONDO:0013168, OMIM 613172.

Allele frequency attached by ClinVar (database versions not stated): gnomAD exomes below 0.00001.
gnomAD v4.1: 2 of 1,551,798 alleles (0.00013%); highest among the groups gnomAD compares: Non-Finnish European, 0.000087%; no homozygotes.

Submissions (2):

Labcorp Genetics (formerly Invitae), Labcorp
Classification: Pathogenic for Dilated cardiomyopathy 1DD. Last evaluated: 2025-12-08. Review status: criteria provided, single submitter. Criteria: Invitae Variant Classification Sherloc (09022015). Collection method: clinical testing. Allele origin: germline.
Comment: This sequence change creates a premature translational stop signal (p.Gly1031*) in the RBM20 gene. It is expected to result in an absent or disrupted protein product. Loss-of-function variants in RBM20 are known to be pathogenic (PMID: 20590677, 22004663, 38288598, 38510713, 40339755). The frequency data for this variant in the population databases is considered unreliable, as metrics indicate poor data quality at this position in the gnomAD database. This premature translational stop signal has been observed in individual(s) with dilated cardiomyopathy (PMID: 22004663). ClinVar contains an entry for this variant (Variation ID: 202074). Algorithms developed to predict the effect of sequence changes on RNA splicing suggest that this variant may create or strengthen a splice site. For these reasons, this variant has been classified as Pathogenic.

Ambry Genetics
Classification: Uncertain significance for Cardiovascular phenotype. Last evaluated: 2024-05-16. Review status: criteria provided, single submitter. Criteria: Ambry Variant Classification Scheme 2023. Collection method: clinical testing. Allele origin: germline.
Comment: The p.G1031* variant (also known as c.3091G>T), located in coding exon 11 of the RBM20 gene, results from a G to T substitution at nucleotide position 3091. This changes the amino acid from a glycine to a stop codon within coding exon 11. This alteration has been detected in a patient with dilated cardiomyopathy (DCM); however, clinical genetic testing was limited to the RBM20 gene in this DCM study cohort (Refaat MM et al. Heart Rhythm. 2012;9:390-6). This variant was also detected in the homozygous state as a consequence of uniparental disomy in an individual with aborted sudden cardiac death, reduced left ventricular ejection fraction, prolonged QTc interval, and left ventricular noncompaction whose heterozygous mother was unaffected (Murayama R. Sci Rep. 2018 06;8(1):8970). This alteration is expected to result in premature protein truncation or nonsense-mediated mRNA decay. However, loss of function of RBM20 has not been clearly established as a mechanism of disease. Since supporting evidence is limited at this time, the clinical significance of this alteration remains unclear.

Literature cited by the submitters: PubMed 20590677 (cited by Labcorp Genetics (formerly Invitae), Labcorp); PubMed 22004663 (cited by Labcorp Genetics (formerly Invitae), Labcorp and Ambry Genetics); PubMed 38288598 (cited by Labcorp Genetics (formerly Invitae), Labcorp); PubMed 38510713 (cited by Labcorp Genetics (formerly Invitae), Labcorp); PubMed 40339755 (cited by Labcorp Genetics (formerly Invitae), Labcorp).